The following is an entry in ClinVar:

ClinVar aggregate classification (germline): Pathogenic (1 of 4 stars; one submission).

Conditions:
Neurofibromatosis, type 1 (NF1). Also called: Peripheral type neurofibromatosis; VON RECKLINGHAUSEN DISEASE; NEUROFIBROMATOSIS, TYPE I, SOMATIC; Neurofibromatosis, type I. Identifiers: Orphanet 636, MedGen C0027831, MONDO:0018975, OMIM 162200. Disease mechanism: loss of function.

Submission:

Labcorp Genetics (formerly Invitae), Labcorp
Classification: Pathogenic for Neurofibromatosis, type 1. Last evaluated: 2023-06-09. Review status: criteria provided, single submitter. Criteria: Invitae Variant Classification Sherloc (09022015). Collection method: clinical testing. Allele origin: germline.
Comment: For these reasons, this variant has been classified as Pathogenic. This variant has not been reported in the literature in individuals affected with NF1-related conditions. This variant is not present in population databases (gnomAD no frequency). This sequence change creates a premature translational stop signal (p.Thr2175Ilefs*4) in the NF1 gene. It is expected to result in an absent or disrupted protein product. Loss-of-function variants in NF1 are known to be pathogenic (PMID: 10712197, 23913538).

Literature cited by the submitters: PubMed 10712197; PubMed 23913538.

NM_001042492.3(NF1):c.6587del (p.Thr2196fs)

Gene: NF1 (neurofibromin 1; plus strand). Cytogenetic location: 17q11.2.
Variant type: Deletion.
Coding change: c.6587del on transcript NM_001042492.3 (MANE Select); coding-DNA position 6587, one base deleted (C; older notation c.6587delC).
Protein change: p.Thr2196fs; shifts the reading frame from threonine 2196.
Molecular consequence: frameshift variant.
Genome position (GRCh38, 1-based): chr17:31,337,527, C deleted. VCF-style (leftmost placement, unchanged base first): chr17-31337526-AC-A. GRCh37 (hg19) VCF-style: chr17-29664544-AC-A.
Other names: c.6524delC, p.Thr2175Ilefs (NM_000267.4); short protein forms T2175fs, T2196fs.
Identifiers: ClinVar variation 2705180 (VCV002705180.3), dbSNP rs2508754237, ClinGen allele CA2697559571.
Genomic context (GRCh38, chr17:31,337,526, plus strand): 5'-ATTGCCTTCCGTTCCAGTTACCGGGACAGGTCATTCTCTCCTGGCTCCTATGAGAGAGAG[AC>A]TTTTGCTTTGACATCCTTGGAAACAGTCACAGAAGCTTTGTTGGAGATCATGGAGGTATA-3'